The following is an entry in ClinVar:

ClinVar aggregate classification (germline): Uncertain significance. Review status: criteria provided, multiple submitters, no conflicts (2 of 4 stars). 2 submissions from 2 submitters: Uncertain significance (2). Last evaluated 2024-06-11.

Conditions:
Inborn genetic diseases. Identifiers: MedGen C0950123, MeSH D030342.
Nemaline myopathy 2 (NEM2). Also called: Nemaline myopathy 2, autosomal recessive. Identifiers: MedGen C1850569, MONDO:0009725, OMIM 256030.

Allele frequency attached by ClinVar (database versions not stated): ExAC 0.00001; gnomAD 0.00001; TOPMed 0.00001; gnomAD exomes 0.00002.
gnomAD v4.1: 29 of 1,613,900 alleles (0.0018%); highest among the groups gnomAD compares: South Asian, 0.019%; no homozygotes.

Submissions (2):

Ambry Genetics
Classification: Uncertain significance for Inborn genetic diseases. Last evaluated: 2024-06-11. Review status: criteria provided, single submitter. Criteria: Ambry Variant Classification Scheme 2023. Collection method: clinical testing. Allele origin: germline.

Labcorp Genetics (formerly Invitae), Labcorp
Classification: Uncertain significance for Nemaline myopathy 2. Last evaluated: 2023-11-23. Review status: criteria provided, single submitter. Criteria: Invitae Variant Classification Sherloc (09022015). Collection method: clinical testing. Allele origin: germline.
Comment: This sequence change replaces isoleucine, which is neutral and non-polar, with threonine, which is neutral and polar, at codon 856 of the NEB protein (p.Ile856Thr). This variant is present in population databases (rs771567277, gnomAD 0.03%). This variant has not been reported in the literature in individuals affected with NEB-related conditions. Experimental studies and prediction algorithms are not available or were not evaluated, and the functional significance of this variant is currently unknown. In summary, the available evidence is currently insufficient to determine the role of this variant in disease. Therefore, it has been classified as a Variant of Uncertain Significance.

NM_001164508.2(NEB):c.2567T>C (p.Ile856Thr)

Gene: NEB (nebulin; minus strand). Cytogenetic location: 2q23.3.
Variant type: single nucleotide variant.
Coding change: c.2567T>C on transcript NM_001164508.2 (MANE Select); coding-DNA position 2567, T replaced by C.
Protein change: p.Ile856Thr; replaces isoleucine 856 with threonine.
Molecular consequence: missense variant.
Genome position (GRCh38, 1-based): chr2:151,687,489, A>G on the plus strand (T>C on the coding strand, the complement: NEB is on the minus strand). VCF-style: chr2-151687489-A-G. GRCh37 (hg19) VCF-style: chr2-152544003-A-G.
Other names: c.2567T>C, p.Ile856Thr (NM_001164507.2, NM_001271208.2, NM_004543.5); c.2567T>C (NM_004543.4); short protein forms I856T.
Identifiers: ClinVar variation 2712524 (VCV002712524.2), dbSNP rs771567277, ClinGen allele CA1911187.